The following is an entry in ClinVar:

NM_001193315.2(VIPAS39):c.836+4A>G

Gene: VIPAS39 (VPS33B interacting protein, apical-basolateral polarity regulator, spe-39 homolog; minus strand). Cytogenetic location: 14q24.3.
Variant type: single nucleotide variant.
Coding change: c.836+4A>G on transcript NM_001193315.2 (MANE Select); 4 bases into the intron after coding-DNA position 836, A replaced by G.
Molecular consequence: intron variant.
Genome position (GRCh38, 1-based): chr14:77,437,804, T>C on the plus strand (A>G on the coding strand, the complement: VIPAS39 is on the minus strand). VCF-style: chr14-77437804-T-C. GRCh37 (hg19) VCF-style: chr14-77904147-T-C.
Other names: c.689+4A>G (NM_001193316.2); c.836+4A>G (NM_022067.4, NM_001193317.2, NM_001193314.2).
Identifiers: ClinVar variation 713478 (VCV000713478.11), dbSNP rs201004985, ClinGen allele CA7287952.

ClinVar aggregate classification (germline): Conflicting classifications of pathogenicity. Review status: criteria provided, conflicting classifications (1 of 4 stars). 4 submissions from 4 submitters: Uncertain significance (1); Benign (1); Likely benign (2). Last evaluated 2025-10-11.

Conditions:
Arthrogryposis, renal dysfunction, and cholestasis 2 (ARCS2). Identifiers: Orphanet 2697, MedGen C3150672, MONDO:0013255, OMIM 613404.
VIPAS39-related disorder. Also called: VIPAS39-related condition.

Allele frequency attached by ClinVar (database versions not stated): TOPMed 0.00011; ExAC 0.00015; ESP Exome Variant Server 0.00015; gnomAD exomes 0.00018 and 0.00007; gnomAD 0.00007.
gnomAD v4.1: 117 of 1,613,762 alleles (0.0073%); highest among the groups gnomAD compares: Admixed American, 0.017%; no homozygotes.

Submissions (4):

Labcorp Genetics (formerly Invitae), Labcorp
Classification: Likely benign. Last evaluated: 2025-10-11. Review status: criteria provided, single submitter. Criteria: Invitae Variant Classification Sherloc (09022015). Collection method: clinical testing. Allele origin: germline.

PreventionGenetics, part of Exact Sciences
Classification: Likely benign for VIPAS39-related condition. Last evaluated: 2025-08-24. Review status: criteria provided, single submitter. Criteria: ACMG Guidelines, 2015. Collection method: clinical testing. Allele origin: germline.
Comment: This variant is classified as likely benign based on ACMG/AMP sequence variant interpretation guidelines (Richards et al. 2015 PMID: 25741868, with internal and published modifications).

Women's Health and Genetics/Laboratory Corporation of America, LabCorp
Classification: Benign. Last evaluated: 2025-03-10. Review status: criteria provided, single submitter. Criteria: LabCorp Variant Classification Summary - May 2015. Collection method: clinical testing. Allele origin: germline.
Comment: Variant summary: VIPAS39 c.836+4A>G alters a conserved nucleotide located close to a canonical splice site and therefore could affect mRNA splicing, leading to a significantly altered protein sequence. Several computational tools predict a significant impact on normal splicing: One predicts the variant abolishes a 5' splicing donor site and three predict the variant weakens the 5' donor site. Three tools also predict the variant creates/strengthens a 3' acceptor site. However, these predictions have yet to be confirmed by functional studies. The variant allele was found at a frequency of 7.3e-05 in 1613762 control chromosomes, predominantly at a frequency of 0.0026 within the Ashkenazi Jewish subpopulation in the gnomAD database. The observed variant frequency within Ashkenazi Jewish control individuals in the gnomAD database exceeds the estimated maximal expected allele frequency for a pathogenic variant in VIPAS39 causing Arthrogryposis, Renal Dysfunction, And Cholestasis 2 phenotype. To our knowledge, no occurrence of c.836+4A>G in individuals affected with Arthrogryposis, Renal Dysfunction, And Cholestasis 2 and no experimental evidence demonstrating its impact on protein function have been reported. ClinVar contains an entry for this variant (Variation ID: 713478). Based on the evidence outlined above, the variant was classified as benign.

Fulgent Genetics
Classification: Uncertain significance for Arthrogryposis, renal dysfunction, and cholestasis 2. Last evaluated: 2024-06-11. Review status: criteria provided, single submitter. Criteria: ACMG Guidelines, 2015. Collection method: clinical testing. Allele origin: germline.